The following is an entry in ClinVar:

NM_006361.6(HOXB13):c.82G>A (p.Val28Ile)

Gene: HOXB13 (homeobox B13; minus strand). Cytogenetic location: 17q21.32.
Variant type: single nucleotide variant.
Coding change: c.82G>A on transcript NM_006361.6 (MANE Select); coding-DNA position 82, G replaced by A.
Protein change: p.Val28Ile; replaces valine 28 with isoleucine.
Molecular consequence: missense variant.
Genome position (GRCh38, 1-based): chr17:48,728,512, C>T on the plus strand (G>A on the coding strand, the complement: HOXB13 is on the minus strand). VCF-style: chr17-48728512-C-T. GRCh37 (hg19) VCF-style: chr17-46805874-C-T.
Other names: short protein forms V28I.
Identifiers: ClinVar variation 934868 (VCV000934868.9), dbSNP rs1597935171, ClinGen allele CA400109534.
Genomic context (GRCh38, chr17:48,728,512, plus strand): 5'-AGTTGACAGCAGGCATCAGCGTAGGCGCCGCTGGGTGGCTGGTCAGAGGGGAGTGGGCGA[C>T]CAGATTCCGCCCCCCTCCCGCTCCCAGCAAGCCTTCGATATCCTTGGCTCCATCCAAGGT-3'
Protein context (NP_006352.2, residues 18-38): LLGAGGGRNL[Val28Ile]AHSPLTSHPA

ClinVar aggregate classification (germline): Uncertain significance (1 of 4 stars; one submission).

Submission:

Labcorp Genetics (formerly Invitae), Labcorp
Classification: Uncertain significance. Last evaluated: 2019-07-22. Review status: criteria provided, single submitter. Criteria: Invitae Variant Classification Sherloc (09022015). Collection method: clinical testing. Allele origin: germline.
Comment: In summary, the available evidence is currently insufficient to determine the role of this variant in disease. Therefore, it has been classified as a Variant of Uncertain Significance. Algorithms developed to predict the effect of missense changes on protein structure and function (SIFT, PolyPhen-2, Align-GVGD) all suggest that this variant is likely to be tolerated, but these predictions have not been confirmed by published functional studies and their clinical significance is uncertain. This variant has not been reported in the literature in individuals with HOXB13-related conditions. This variant is not present in population databases (ExAC no frequency). This sequence change replaces valine with isoleucine at codon 28 of the HOXB13 protein (p.Val28Ile). The valine residue is weakly conserved and there is a small physicochemical difference between valine and isoleucine.